The following is an entry in ClinVar:

ClinVar aggregate classification (germline): Uncertain significance. Review status: criteria provided, multiple submitters, no conflicts (2 of 4 stars). 2 submissions from 2 submitters: Uncertain significance (2). Last evaluated 2023-09-27.

Conditions:
Hereditary breast ovarian cancer syndrome. Also called: Hereditary breast and/or ovarian cancer syndrome; BRCA1- and BRCA2-Associated Hereditary Breast and Ovarian Cancer; Hereditary breast and ovarian cancer syndrome; Hereditary breast and ovarian cancer; Hereditary breast and ovarian cancer syndrome (HBOC); Breast and ovarian cancer. Identifiers: Orphanet 145, MedGen C0677776, MeSH D061325, MONDO:0003582. Disease mechanism: loss of function.

gnomAD v4.1: 1 of 1,613,702 alleles (0.000062%); no homozygotes.

Submissions (3):

Labcorp Genetics (formerly Invitae), Labcorp
Classification: Uncertain significance for Hereditary breast ovarian cancer syndrome. Last evaluated: 2023-09-27. Review status: criteria provided, single submitter. Criteria: Invitae Variant Classification Sherloc (09022015). Collection method: clinical testing. Allele origin: germline.
Comment: In summary, the available evidence is currently insufficient to determine the role of this variant in disease. Therefore, it has been classified as a Variant of Uncertain Significance. Advanced modeling performed at Invitae incorporating data from internal and/or published experimental studies (PMID: 30209399) indicates that this missense variant is not expected to disrupt BRCA1 function. ClinVar contains an entry for this variant (Variation ID: 865132). This variant has not been reported in the literature in individuals affected with BRCA1-related conditions. This variant is not present in population databases (gnomAD no frequency). This sequence change replaces lysine, which is basic and polar, with arginine, which is basic and polar, at codon 38 of the BRCA1 protein (p.Lys38Arg).

Quest Diagnostics Nichols Institute San Juan Capistrano
Classification: Uncertain significance. Last evaluated: 2023-08-22. Review status: criteria provided, single submitter. Criteria: Quest Diagnostics criteria. Collection method: clinical testing. Allele origin: unknown.
Comment: In the published literature, this variant has been reported as not damaging in a saturation genome editing assay (PMID: 30209399 (2018)). This variant has not been reported in large, multi-ethnic general populations (Genome Aggregation Database). Analysis of this variant using bioinformatics tools for the prediction of the effect of amino acid changes on protein structure and function yielded conflicting predictions that this variant is benign or damaging. Based on the available information, we are unable to determine the clinical significance of this variant.

Brotman Baty Institute, University of Washington
No classification provided (evidence only). Condition: Breast-ovarian cancer, familial 1. Review status: no classification provided. Collection method: in vitro. Allele origin: not applicable. Functional consequence: functionally_normal. Not counted in ClinVar's aggregate classification.
ClinVar note: "not provided" was previously submitted as the classification for the variant. However, the classification appeared to be based only on an observation of functional data so it was converted to no classification on 2025-07-30.

Literature cited by the submitters: PubMed 30209399 (cited by Labcorp Genetics (formerly Invitae), Labcorp and Quest Diagnostics Nichols Institute San Juan Capistrano).

NM_007294.4(BRCA1):c.113A>G (p.Lys38Arg)

Gene: BRCA1 (BRCA1 DNA repair associated; minus strand). Cytogenetic location: 17q21.31.
Variant type: single nucleotide variant.
Coding change: c.113A>G on transcript NM_007294.4 (MANE Select); coding-DNA position 113, A replaced by G.
Protein change: p.Lys38Arg; replaces lysine 38 with arginine.
Molecular consequence: missense variant. On other transcripts: non-coding transcript variant (1), intron variant (1).
Genome position (GRCh38, 1-based): chr17:43,115,747, T>C on the plus strand (A>G on the coding strand, the complement: BRCA1 is on the minus strand). VCF-style: chr17-43115747-T-C. GRCh37 (hg19) VCF-style: chr17-41267764-T-C.
Other names: c.-145A>G (NM_001407733.1, NM_001407746.1, NM_001407749.1 and 13 more transcripts); c.-29A>G (NM_001407734.1, NM_001407735.1, NM_001407737.1 and 47 more transcripts); c.-25A>G (NM_001407841.1); c.-76A>G (NM_001407853.1, NM_001407879.1, NM_001407882.1 and 52 more transcripts); c.113A>G, p.Lys38Arg (NM_001407854.1, NM_001407858.1, NM_001407859.1 and 192 more transcripts); c.-192A>G (NM_001407889.1, NM_001407900.1, NM_001408492.1); c.-191A>G (NM_001407960.1, NM_001407962.1, NM_001408510.1 and 1 more transcripts); c.-307A>G (NM_001407965.1); and 2 more; short protein forms K38R.
Identifiers: ClinVar variation 865132 (VCV000865132.7), dbSNP rs2055251821, ClinGen allele CA10601930.